The following is an entry in ClinVar:

ClinVar aggregate classification (germline): Likely benign (1 of 4 stars; one submission).

gnomAD v4.1: 28 of 1,582,510 alleles (0.0018%); highest among the groups gnomAD compares: African/African-American, 0.02%; no homozygotes.

Submission:

Mayo Clinic Laboratories, Mayo Clinic
Classification: Likely benign. Last evaluated: 2025-07-14. Review status: criteria provided, single submitter. Criteria: ACMG Guidelines, 2015. Collection method: clinical testing. Allele origin: germline. Observed: 1 variant allele.
Comment: PM2_supporting

NM_003982.4(SLC7A7):c.1095+28A>G

Gene: SLC7A7 (solute carrier family 7 member 7; minus strand). Cytogenetic location: 14q11.2.
Variant type: single nucleotide variant.
Coding change: c.1095+28A>G on transcript NM_003982.4 (MANE Select); 28 bases into the intron after coding-DNA position 1095, A replaced by G.
Molecular consequence: intron variant.
Genome position (GRCh38, 1-based): chr14:22,775,416, T>C on the plus strand (A>G on the coding strand, the complement: SLC7A7 is on the minus strand). VCF-style: chr14-22775416-T-C. GRCh37 (hg19) VCF-style: chr14-23244625-T-C.
Other names: p.?; c.1095+28A>G (NM_001126106.4, NM_001126105.3).
Identifiers: ClinVar variation 4683840 (VCV004683840.1).
Genomic context (GRCh38, chr14:22,775,416, plus strand): 5'-GCTTTCAGGAAGCTAGAACAGTCGCTTCTGCTGTTACTAAAGTTTCCCCCGCAATCTGGC[T>C]TTCAGTCTCATCCTTGAGTTCACTTACATTGAAGAGCAGAGAAGGCACTGGTGTGAACCG-3'